The following is an entry in ClinVar:

NM_017671.5(FERMT1):c.49C>T (p.Arg17Cys)

Gene: FERMT1 (FERM domain containing kindlin 1; minus strand). Cytogenetic location: 20p12.3.
Variant type: single nucleotide variant.
Coding change: c.49C>T on transcript NM_017671.5 (MANE Select); coding-DNA position 49, C replaced by T.
Protein change: p.Arg17Cys; replaces arginine 17 with cysteine.
Molecular consequence: missense variant.
Genome position (GRCh38, 1-based): chr20:6,119,506, G>A on the plus strand (C>T on the coding strand, the complement: FERMT1 is on the minus strand). VCF-style: chr20-6119506-G-A. GRCh37 (hg19) VCF-style: chr20-6100153-G-A.
Other names: short protein forms R17C.
Identifiers: ClinVar variation 1357318 (VCV001357318.5), dbSNP rs367672925, ClinGen allele CA9758562.

ClinVar aggregate classification (germline): Uncertain significance (1 of 4 stars; one submission).

Allele frequency attached by ClinVar (database versions not stated): ExAC 0.00002; gnomAD exomes 0.00002; TOPMed 0.00003; gnomAD 0.00005 and 0.00006; ESP Exome Variant Server 0.00008.

Submission:

Labcorp Genetics (formerly Invitae), Labcorp
Classification: Uncertain significance. Last evaluated: 2022-07-03. Review status: criteria provided, single submitter. Criteria: Invitae Variant Classification Sherloc (09022015). Collection method: clinical testing. Allele origin: germline.
Comment: This sequence change replaces arginine, which is basic and polar, with cysteine, which is neutral and slightly polar, at codon 17 of the FERMT1 protein (p.Arg17Cys). This variant is present in population databases (rs367672925, gnomAD 0.006%). This variant has not been reported in the literature in individuals affected with FERMT1-related conditions. ClinVar contains an entry for this variant (Variation ID: 1357318). Algorithms developed to predict the effect of missense changes on protein structure and function (SIFT, PolyPhen-2, Align-GVGD) all suggest that this variant is likely to be tolerated. In summary, the available evidence is currently insufficient to determine the role of this variant in disease. Therefore, it has been classified as a Variant of Uncertain Significance.